The following is an entry in ClinVar:

NM_024548.4(CEP97):c.187T>C (p.Leu63=)

Gene: CEP97 (centrosomal protein 97; plus strand). Cytogenetic location: 3q12.3.
Variant type: single nucleotide variant.
Coding change: c.187T>C on transcript NM_024548.4 (MANE Select); coding-DNA position 187, T replaced by C.
Protein change: p.Leu63=; no amino-acid change (leucine 63 retained).
Molecular consequence: synonymous variant.
Genome position (GRCh38, 1-based): chr3:101,727,383, T>C. VCF-style: chr3-101727383-T-C. GRCh37 (hg19) VCF-style: chr3-101446227-T-C.
Other names: c.187T>C, p.Leu63= (NM_001303401.2, NM_001410784.1, NM_001410785.1).
Identifiers: ClinVar variation 2104637 (VCV002104637.4), dbSNP rs1937927675, ClinGen allele CA434730606.

ClinVar aggregate classification (germline): Uncertain significance (1 of 4 stars; one submission).

Allele frequency attached by ClinVar (database versions not stated): TOPMed 0.00001.
gnomAD v4.1: 1 of 1,609,336 alleles (0.000062%); no homozygotes.

Submission:

Labcorp Genetics (formerly Invitae), Labcorp
Classification: Uncertain significance. Last evaluated: 2024-08-30. Review status: criteria provided, single submitter. Criteria: Invitae Variant Classification Sherloc (09022015). Collection method: clinical testing. Allele origin: germline.
Comment: This sequence change affects codon 63 of the CEP97 mRNA. It is a 'silent' change, meaning that it does not change the encoded amino acid sequence of the CEP97 protein. It affects a nucleotide within the consensus splice site. This variant is not present in population databases (gnomAD no frequency). This variant has not been reported in the literature in individuals affected with CEP97-related conditions. ClinVar contains an entry for this variant (Variation ID: 2104637). Algorithms developed to predict the effect of sequence changes on RNA splicing suggest that this variant is not likely to affect RNA splicing. In summary, the available evidence is currently insufficient to determine the role of this variant in disease. Therefore, it has been classified as a Variant of Uncertain Significance.